The following is an entry in ClinVar:

Single allele

Genes: CACNA1I (calcium voltage-gated channel subunit alpha1 I; plus strand), LOC130067491 (ATAC-STARR-seq lymphoblastoid silent region 13763; plus strand). Cytogenetic location: 22q13.1.
Variant type: Deletion.
Identifiers: ClinVar variation 157481 (VCV000157481.2).

ClinVar aggregate classification (germline): not provided (0 of 4 stars; one submission).

Conditions:
Normal pregnancy. Identifiers: MedGen C0232989.

Submission:

Institute of Molecular and Cell Biology, University of Tartu
No classification provided. Condition: Normal pregnancy. Review status: no classification provided. Collection method: case-control. Allele origin: unknown. Affected: yes. Study: Kasak2014.
Comment: The study aimed to determine the contribution of copy number variants in the genetic etiology of normal and complicated pregnancies. The samples represented (i) maternal blood DNA drawn from healthy pregnant women during 1st or 2nd trimester and (ii) maternal and paternal blood DNA drawn at term pregnancy cases representing normal and complicated gestations (severe preeclampsia, PE; gestational diabetes, GD; small-for-gestational age newborn, SGA; large-for-gestational age newborn, LGA). We performed CNV calling based on genome-wide genotyping dataset (Illumina HumanOmniExpress-24-v1 BeadChip) by applying three algorithms, QuantiSNP, GADA (Genome Alteration Detection Algorithm) and CNstream in parallel. The acquired CNV calls were merged with HD-CNV (Hotspot Detector for Copy Number Variants) program and only the CNVs predicted by at least two programs, were considered in subsequent analysis.

Literature cited by the submitters: PubMed 25666259.